The following is an entry in ClinVar:

NM_000492.4(CFTR):c.3851_3852dup (p.Ala1285fs)

Genes: CFTR (CF transmembrane conductance regulator; plus strand), CFTR-AS2 (CFTR antisense RNA 2; minus strand). Cytogenetic location: 7q31.2.
Variant type: Duplication.
Coding change: c.3851_3852dup on transcript NM_000492.4 (MANE Select); coding-DNA positions 3851 to 3852, 2 bases duplicated (AA; older notation c.3851_3852dupAA).
Protein change: p.Ala1285fs; shifts the reading frame from alanine 1285.
Molecular consequence: frameshift variant.
Genome position (GRCh38, 1-based): chr7:117,642,571-117,642,572, AA duplicated; duplicating any 2 consecutive bases within chr7:117,642,570-117,642,572 gives the same sequence; the c. name uses the placement nearest the transcript's 3' end. VCF-style (leftmost placement, unchanged base first): chr7-117642569-G-GAA. GRCh37 (hg19) VCF-style: chr7-117282623-G-GAA.
Other names: c.3851_3852dupAA (NM_000492.3); short protein forms A1285fs.
Identifiers: ClinVar variation 371605 (VCV000371605.4), dbSNP rs1057517404, ClinGen allele CA16041138.

ClinVar aggregate classification (germline): Likely pathogenic. Review status: criteria provided, single submitter (1 of 4 stars). 2 submissions from 2 submitters: Likely pathogenic (1). 1 of the submissions does not count toward it. Last evaluated 2025-01-24.

Conditions:
CFTR-related disorder (CFTR-RD). Also called: CFTR-related condition; CFTR-related disorders. Identifiers: MedGen C5924204, MONDO:7770004.
Cystic fibrosis (CF). Also called: MUCOVISCIDOSIS. Identifiers: Orphanet 586, MedGen C0010674, MONDO:0009061, OMIM 219700. Disease mechanism: loss of function.

Submissions (2):

Natera, Inc.
Classification: Likely pathogenic for CFTR-related disorders. Last evaluated: 2025-01-24. Review status: criteria provided, single submitter. Criteria: Natera Variant Classification Schema (03/2026). Collection method: clinical testing. Allele origin: germline.
Comment: The c.3851_3852dupAA variant in CFTR is a frameshift variant predicted to shift the reading frame beginning at codon 1285 and leads to a stop codon 5 codons downstream. This variant is expected to result in nonsense mediated decay, truncation, or a dysfunctional protein product. This variant is rare in the general population with a frequency below the threshold expected for the associated phenotype(s). Given the available evidence, this variant is classified as Likely Pathogenic.

Counsyl
Classification: Likely pathogenic for Cystic fibrosis. Last evaluated: 2016-10-27. Review status: no assertion criteria provided. Collection method: clinical testing. Allele origin: unknown. Not counted in ClinVar's aggregate classification.